The following is an entry in ClinVar:

ClinVar aggregate classification (germline): Conflicting classifications of pathogenicity. Review status: criteria provided, conflicting classifications (1 of 4 stars). 3 submissions from 3 submitters: Uncertain significance (2); Likely benign (1). Last evaluated 2025-03-17.

Conditions:
Inborn genetic diseases. Identifiers: MedGen C0950123, MeSH D030342.

Allele frequency attached by ClinVar (database versions not stated): ESP Exome Variant Server 0.00023.
gnomAD v4.1: 206 of 1,613,464 alleles (0.013%); highest among the groups gnomAD compares: Middle Eastern, 0.017%; 1 homozygote.

Submissions (3):

Labcorp Genetics (formerly Invitae), Labcorp
Classification: Uncertain significance. Last evaluated: 2025-03-17. Review status: criteria provided, single submitter. Criteria: Invitae Variant Classification Sherloc (09022015). Collection method: clinical testing. Allele origin: germline.
Comment: This sequence change replaces alanine, which is neutral and non-polar, with threonine, which is neutral and polar, at codon 471 of the ORC1 protein (p.Ala471Thr). This variant is present in population databases (rs150059660, gnomAD 0.02%). This variant has not been reported in the literature in individuals affected with ORC1-related conditions. ClinVar contains an entry for this variant (Variation ID: 1390706). Invitae Evidence Modeling of protein sequence and biophysical properties (such as structural, functional, and spatial information, amino acid conservation, physicochemical variation, residue mobility, and thermodynamic stability) indicates that this missense variant is not expected to disrupt ORC1 protein function with a negative predictive value of 80%. In summary, the available evidence is currently insufficient to determine the role of this variant in disease. Therefore, it has been classified as a Variant of Uncertain Significance.

Blueprint Genetics
Classification: Uncertain significance. Last evaluated: 2024-09-18. Review status: criteria provided, single submitter. Criteria: ACMG Guidelines, 2015. Collection method: clinical testing. Allele origin: germline.

Ambry Genetics
Classification: Likely benign for Inborn genetic diseases. Last evaluated: 2022-06-24. Review status: criteria provided, single submitter. Criteria: Ambry Variant Classification Scheme 2023. Collection method: clinical testing. Allele origin: germline.

NM_004153.4(ORC1):c.1411G>A (p.Ala471Thr)

Gene: ORC1 (origin recognition complex subunit 1; minus strand). Cytogenetic location: 1p32.3.
Variant type: single nucleotide variant.
Coding change: c.1411G>A on transcript NM_004153.4 (MANE Select); coding-DNA position 1411, G replaced by A.
Protein change: p.Ala471Thr; replaces alanine 471 with threonine.
Molecular consequence: missense variant.
Genome position (GRCh38, 1-based): chr1:52,385,922, C>T on the plus strand (G>A on the coding strand, the complement: ORC1 is on the minus strand). VCF-style: chr1-52385922-C-T. GRCh37 (hg19) VCF-style: chr1-52851594-C-T.
Other names: c.1411G>A (NM_004153.3); c.1411G>A, p.Ala471Thr (NM_001190818.2); c.1396G>A, p.Ala466Thr (NM_001190819.2); short protein forms A471T, A466T.
Identifiers: ClinVar variation 1390706 (VCV001390706.6), dbSNP rs150059660, ClinGen allele CA853334.